The following is an entry in ClinVar:

ClinVar aggregate classification (germline): Likely benign. Review status: criteria provided, multiple submitters, no conflicts (2 of 4 stars). 3 submissions from 3 submitters: Likely benign (2). 1 of the submissions does not count toward it. Last evaluated 2025-09-02.

Conditions:
HK1-related disorder. Also called: HK1-related condition; HK1-related disorders.

Submissions (3):

Labcorp Genetics (formerly Invitae), Labcorp
Classification: Likely benign. Last evaluated: 2025-09-02. Review status: criteria provided, single submitter. Criteria: Invitae Variant Classification Sherloc (09022015). Collection method: clinical testing. Allele origin: germline.

Blueprint Genetics
Classification: Likely benign. Last evaluated: 2017-09-01. Review status: criteria provided, single submitter. Criteria: ACMG Guidelines, 2015. Collection method: clinical testing. Allele origin: germline.

PreventionGenetics, part of Exact Sciences
Classification: Likely benign for HK1-related condition. Last evaluated: 2019-03-11. Review status: no assertion criteria provided. Collection method: clinical testing. Allele origin: germline. Not counted in ClinVar's aggregate classification.
Comment: This variant is classified as likely benign based on ACMG/AMP sequence variant interpretation guidelines (Richards et al. 2015 PMID: 25741868, with internal and published modifications).

NM_000188.3(HK1):c.2035+9C>T

Gene: HK1 (hexokinase 1; plus strand). Cytogenetic location: 10q22.1.
Variant type: single nucleotide variant.
Coding change: c.2035+9C>T on transcript NM_000188.3 (MANE Select); 9 bases into the intron after coding-DNA position 2035, C replaced by T.
Molecular consequence: intron variant.
Genome position (GRCh38, 1-based): chr10:69,389,305, C>T. VCF-style: chr10-69389305-C-T. GRCh37 (hg19) VCF-style: chr10-71149061-C-T.
Other names: c.1999+9C>T (NM_033500.2); c.2140+9C>T (NM_001322365.2); c.2047+9C>T (NM_033498.3, NM_033497.3, NM_001322364.2 and 1 more transcripts); c.2032+9C>T (NM_033496.3); c.1951+9C>T (NM_001322366.1); c.1939+9C>T (NM_001322367.1); c.2035+9C>T (NM_000188.2).
Identifiers: ClinVar variation 1105777 (VCV001105777.12), dbSNP rs2132923520, ClinGen allele CA2499220302.